The following is an entry in ClinVar:

ClinVar aggregate classification (germline): Uncertain significance (1 of 4 stars; one submission).

Conditions:
AFF4-related disorder. Also called: AFF4-related condition.

Submission:

PreventionGenetics, part of Exact Sciences
Classification: Uncertain significance for AFF4-related condition. Last evaluated: 2026-05-26. Review status: criteria provided, single submitter. Criteria: ACMG Guidelines, 2015. Collection method: clinical testing. Allele origin: germline.
Comment: The AFF4 c.2356G>A variant is predicted to result in the amino acid substitution p.Asp786Asn. To our knowledge, this variant has not been reported in the literature or in a large population database (gnomAD), indicating this variant is rare. At this time, the clinical significance of this variant is uncertain due to the absence of conclusive functional and genetic evidence.

NM_014423.4(AFF4):c.2356G>A (p.Asp786Asn)

Gene: AFF4 (ALF transcription elongation factor 4; minus strand). Cytogenetic location: 5q31.1.
Variant type: single nucleotide variant.
Coding change: c.2356G>A on transcript NM_014423.4 (MANE Select); coding-DNA position 2356, G replaced by A.
Protein change: p.Asp786Asn; replaces aspartic acid 786 with asparagine.
Molecular consequence: missense variant.
Genome position (GRCh38, 1-based): chr5:132,893,070, C>T on the plus strand (G>A on the coding strand, the complement: AFF4 is on the minus strand). VCF-style: chr5-132893070-C-T. GRCh37 (hg19) VCF-style: chr5-132228762-C-T.
Other names: short protein forms D786N.
Identifiers: ClinVar variation 4997547 (VCV004997547.1).